The following is an entry in ClinVar:

NM_000098.3(CPT2):c.949A>T (p.Lys317Ter)

Gene: CPT2 (carnitine palmitoyltransferase 2; plus strand). Cytogenetic location: 1p32.3.
Variant type: single nucleotide variant.
Coding change: c.949A>T on transcript NM_000098.3 (MANE Select); coding-DNA position 949, A replaced by T.
Protein change: p.Lys317Ter; replaces lysine 317 with a stop codon.
Molecular consequence: nonsense.
Genome position (GRCh38, 1-based): chr1:53,210,623, A>T. VCF-style: chr1-53210623-A-T. GRCh37 (hg19) VCF-style: chr1-53676295-A-T.
Other names: c.949A>T, p.Lys317Ter (NM_001330589.2); short protein forms K317*.
Identifiers: ClinVar variation 5003550 (VCV005003550.1).

ClinVar aggregate classification (germline): Pathogenic (1 of 4 stars; one submission).

Conditions:
Carnitine palmitoyltransferase II deficiency. Also called: Carnitine Palmitoyltransferase 2 Deficiency. Identifiers: Orphanet 157, MedGen C0342790, MONDO:0015515.

Submission:

Myriad Genetics, Inc.
Classification: Pathogenic for Carnitine palmitoyltransferase II deficiency. Last evaluated: 2025-09-30. Review status: criteria provided, single submitter. Criteria: Myriad Autosomal Dominant, Autosomal Recessive and X-Linked Classification Criteria (2023). Collection method: clinical testing. Allele origin: unknown.
Comment: NM_000098.2(CPT2):c.949A>T(K317*) is a nonsense variant classified as pathogenic in the context of carnitine palmitoyltransferase II deficiency. K317* has not been observed in cases with relevant disease. Relevant functional assessments of this variant are not available in the literature. K317* has not been observed in referenced population frequency databases. In summary, NM_000098.2(CPT2):c.949A>T(K317*) is a nonsense variant in a gene where loss of function is a known mechanism of disease and is predicted to disrupt protein function. Please note: this variant was assessed in the context of healthy population screening.